The following is an entry in ClinVar:

NM_000038.6(APC):c.4074G>T (p.Ala1358=)

Gene: APC (APC regulator of Wnt signaling pathway; plus strand). Cytogenetic location: 5q22.2.
Variant type: single nucleotide variant.
Coding change: c.4074G>T on transcript NM_000038.6 (MANE Select); coding-DNA position 4074, G replaced by T.
Protein change: p.Ala1358=; no amino-acid change (alanine 1358 retained).
Molecular consequence: synonymous variant.
Genome position (GRCh38, 1-based): chr5:112,839,668, G>T. VCF-style: chr5-112839668-G-T. GRCh37 (hg19) VCF-style: chr5-112175365-G-T.
Other names: c.3771G>T, p.Ala1257= (NM_001354903.2); c.3696G>T, p.Ala1232= (NM_001354904.2); c.3594G>T, p.Ala1198= (NM_001354905.2); c.3225G>T, p.Ala1075= (NM_001354906.2); c.4074G>T, p.Ala1358= (NM_001127510.3, NM_001354895.2); c.4020G>T, p.Ala1340= (NM_001127511.3); c.4128G>T, p.Ala1376= (NM_001354896.2); c.4104G>T, p.Ala1368= (NM_001354897.2); and 5 more.
Identifiers: ClinVar variation 230403 (VCV000230403.17), dbSNP rs149782464, ClinGen allele CA10578366.

ClinVar aggregate classification (germline): Benign/Likely benign. Review status: criteria provided, multiple submitters, no conflicts (2 of 4 stars). 4 submissions from 4 submitters: Benign (1); Likely benign (3). Last evaluated 2025-11-23.

Conditions:
Familial adenomatous polyposis 1 (FAP1). Also called: FAMILIAL ADENOMATOUS POLYPOSIS 1, ATTENUATED; POLYPOSIS, ADENOMATOUS INTESTINAL. Identifiers: MedGen C2713442, MONDO:0021056, OMIM 175100. Disease mechanism: loss of function.
Hereditary cancer-predisposing syndrome. Also called: Neoplastic Syndromes, Hereditary; Tumor predisposition; Hereditary Cancer Syndrome; Hereditary neoplastic syndrome. Identifiers: Orphanet 140162, MedGen C0027672, MeSH D009386, MONDO:0015356.

gnomAD v4.1: 8 of 1,614,022 alleles (0.0005%); highest among the groups gnomAD compares: Non-Finnish European, 0.00068%; no homozygotes.

Submissions (4):

Labcorp Genetics (formerly Invitae), Labcorp
Classification: Likely benign for Familial adenomatous polyposis 1. Last evaluated: 2025-11-23. Review status: criteria provided, single submitter. Criteria: Invitae Variant Classification Sherloc (09022015). Collection method: clinical testing. Allele origin: germline.

Myriad Genetics, Inc.
Classification: Benign for Familial adenomatous polyposis 1. Last evaluated: 2024-03-25. Review status: criteria provided, single submitter. Criteria: Myriad Autosomal Dominant, Autosomal Recessive and X-Linked Classification Criteria (2023). Collection method: clinical testing. Allele origin: unknown.
Comment: This variant is considered benign. This variant is a silent/synonymous amino acid change and it is not expected to impact splicing.

Color Diagnostics, LLC DBA Color Health
Classification: Likely benign for Hereditary cancer-predisposing syndrome. Last evaluated: 2017-08-14. Review status: criteria provided, single submitter. Criteria: ACMG Guidelines, 2015. Collection method: clinical testing. Allele origin: germline.

Ambry Genetics
Classification: Likely benign for Hereditary cancer-predisposing syndrome. Last evaluated: 2015-02-11. Review status: criteria provided, single submitter. Criteria: Ambry Variant Classification Scheme 2023. Collection method: clinical testing. Allele origin: germline.